The following is an entry in ClinVar:

ClinVar aggregate classification (germline): Conflicting classifications of pathogenicity. Review status: criteria provided, conflicting classifications (1 of 4 stars). 2 submissions from 2 submitters: Pathogenic (1); Uncertain significance (1). Last evaluated 2025-07-21.

Conditions:
Glycine encephalopathy 1 (GCE1). Identifiers: MedGen CN376801, MONDO:0958179, OMIM 605899.
Glycine encephalopathy. Also called: Nonketotic hyperglycinemia; Non-ketotic hyperglycinemia. Identifiers: Orphanet 407, MedGen C0751748, MONDO:0011612, HP:0008288.

Submissions (2):

3billion
Classification: Uncertain significance for Glycine encephalopathy 1. Last evaluated: 2025-07-21. Review status: criteria provided, single submitter. Criteria: ACMG Guidelines, 2015. Collection method: clinical testing. Allele origin: germline. Affected: yes.
Comment: The variant is not observed in the gnomAD v4.1.0 dataset. Predicted Consequence/Location: Frameshift: predicted to result in a loss or disruption of normal protein function through protein truncation. The predicted truncated protein may be shortened by less than 10%. The variant has been reported to be associated with GLDC-related disorder (ClinVar ID: VCV001424481). However, the evidence of pathogenicity is insufficient at this time. Therefore, this variant is classified as VUS according to the recommendation of ACMG/AMP guideline.

Labcorp Genetics (formerly Invitae), Labcorp
Classification: Pathogenic for Glycine encephalopathy. Last evaluated: 2021-12-02. Review status: criteria provided, single submitter. Criteria: Invitae Variant Classification Sherloc (09022015). Collection method: clinical testing. Allele origin: germline.
Comment: This sequence change creates a premature translational stop signal (p.His959Leufs*31) in the GLDC gene. While this is not anticipated to result in nonsense mediated decay, it is expected to disrupt the last 62 amino acid(s) of the GLDC protein. For these reasons, this variant has been classified as Pathogenic. This variant disrupts a region of the GLDC protein in which other variant(s) (p.Gly994Arg) have been determined to be pathogenic (PMID: 26179960, 27362913). This suggests that this is a clinically significant region of the protein, and that variants that disrupt it are likely to be disease-causing. This variant has not been reported in the literature in individuals affected with GLDC-related conditions. This variant is not present in population databases (gnomAD no frequency).

Literature cited by the submitters: PubMed 26179960 (cited by Labcorp Genetics (formerly Invitae), Labcorp); PubMed 27362913 (cited by Labcorp Genetics (formerly Invitae), Labcorp).

NM_000170.3(GLDC):c.2876_2877del (p.His959fs)

Gene: GLDC (glycine decarboxylase; minus strand). Cytogenetic location: 9p24.1.
Variant type: Deletion.
Coding change: c.2876_2877del on transcript NM_000170.3 (MANE Select); coding-DNA positions 2876 to 2877, 2 bases deleted (AC; older notation c.2876_2877delAC).
Protein change: p.His959fs; shifts the reading frame from histidine 959.
Molecular consequence: frameshift variant.
Genome position (GRCh38, 1-based): chr9:6,534,750-6,534,751, GT deleted on the plus strand (AC on the coding strand, the reverse complement: GLDC is on the minus strand); deleting any 2 consecutive bases within chr9:6,534,750-6,534,752 gives the same sequence; the c. name uses the placement nearest the transcript's 3' end. VCF-style (leftmost placement, unchanged base first): chr9-6534749-AGT-A. GRCh37 (hg19) VCF-style: chr9-6534749-AGT-A.
Other names: short protein forms H959fs.
Identifiers: ClinVar variation 1424481 (VCV001424481.7), dbSNP rs2129645358, ClinGen allele CA2573144481.